The following is an entry in ClinVar:

ClinVar aggregate classification (germline): Uncertain significance. Review status: criteria provided, multiple submitters, no conflicts (2 of 4 stars). 3 submissions from 3 submitters: Uncertain significance (3). Last evaluated 2025-12-15.

Conditions:
Loeys-Dietz syndrome 2 (LDS2). Also called: TGFBR2-Related Loeys-Dietz Syndrome; Marfan Syndrome type 2; Marfan like connective tissue disorder; MFS 2; AORTIC ANEURYSM, FAMILIAL THORACIC 3; MARFAN SYNDROME, TYPE II. Identifiers: Orphanet 284973, Orphanet 558, MedGen C2674574, MONDO:0012427, OMIM 610168.
TMPO-related disorder. Also called: TMPO-related condition.

Allele frequency attached by ClinVar (database versions not stated): TOPMed below 0.00001; gnomAD 0.00001.

Submissions (3):

Labcorp Genetics (formerly Invitae), Labcorp
Classification: Uncertain significance for Loeys-Dietz syndrome 2. Last evaluated: 2025-12-15. Review status: criteria provided, single submitter. Criteria: Invitae Variant Classification Sherloc (09022015). Collection method: clinical testing. Allele origin: germline.
Comment: This sequence change creates a premature translational stop signal (p.Val522Phefs*15) in the TMPO gene. While this is not anticipated to result in nonsense mediated decay, it is expected to disrupt the last 173 amino acid(s) of the TMPO protein. This variant is not present in population databases (gnomAD no frequency). This variant has not been reported in the literature in individuals affected with TMPO-related conditions. ClinVar contains an entry for this variant (Variation ID: 1983592). In summary, the available evidence is currently insufficient to determine the role of this variant in disease. Therefore, it has been classified as a Variant of Uncertain Significance.

PreventionGenetics, part of Exact Sciences
Classification: Uncertain significance for TMPO-related condition. Last evaluated: 2024-12-02. Review status: criteria provided, single submitter. Criteria: ACMG Guidelines, 2015. Collection method: clinical testing. Allele origin: germline.
Comment: The TMPO c.1564delG variant is predicted to result in a frameshift and premature protein termination (p.Val522Phefs*15). To our knowledge, this variant has not been reported in the literature or in a large population database (gnomAD), indicating this variant is rare. Few chain-terminating variants in TMPO are reported and loss of function has not been conclusively established as a mechanism for TMPO-associated disorders. At this time, the clinical significance of this variant is uncertain due to the absence of conclusive functional and genetic evidence.

Women's Health and Genetics/Laboratory Corporation of America, LabCorp
Classification: Uncertain significance. Last evaluated: 2023-06-19. Review status: criteria provided, single submitter. Criteria: LabCorp Variant Classification Summary - May 2015. Collection method: clinical testing. Allele origin: germline.
Comment: Variant summary: TMPO c.1564delG (p.Val522PhefsX15) results in a premature termination codon, predicted to cause a truncation of the last 156 amino acids in the last exon of the encoded protein. This truncation is not expected to cause nonsense mediated decay. The variant was absent in 251360 control chromosomes. The available data on variant occurrences in the general population are insufficient to allow any conclusion about variant significance. To our knowledge, no occurrence of c.1564delG in individuals affected with Dilated Cardiomyopathy and no experimental evidence demonstrating its impact on protein function have been reported. One ClinVar submitter has cited clinical-significance assessments for this variant to ClinVar after 2014 and classified has the variant as uncertain significance. Based on the evidence outlined above, the variant was classified as uncertain significance.

NM_001032283.3(TMPO):c.565+1983del

Gene: TMPO (thymopoietin; plus strand). Cytogenetic location: 12q23.1.
Variant type: Deletion.
Coding change: c.565+1983del on transcript NM_001032283.3 (MANE Select); 1983 bases into the intron after coding-DNA position 565, one base deleted (G; older notation c.565+1983delG).
Molecular consequence: intron variant. On other transcripts: frameshift variant (1).
Genome position (GRCh38, 1-based): chr12:98,533,821, G deleted. VCF-style (leftmost placement, unchanged base first): chr12-98533820-AG-A. GRCh37 (hg19) VCF-style: chr12-98927598-AG-A.
Other names: c.1564delG (NM_003276.2); c.1564del, p.Val522fs (NM_003276.2); c.565+1983del (NM_001307975.2, NM_001032284.3); short protein forms V522fs.
Identifiers: ClinVar variation 1983592 (VCV001983592.6), dbSNP rs1241598109, ClinGen allele CA694001878.